The following is an entry in ClinVar:

ClinVar aggregate classification (germline): Pathogenic (1 of 4 stars; one submission).

Submission:

GeneDx
Classification: Pathogenic. Last evaluated: 2016-03-10. Review status: criteria provided, single submitter. Criteria: GeneDx Variant Classification (06012015). Collection method: clinical testing. Allele origin: germline. Affected: yes.
Comment: The c.4188_4189ins37 pathogenic variant in the EP300 gene has not been reported previously as a pathogenic variant nor as a benign variant, to our knowledge. The c.4188_4189ins37 variant causes a frameshift starting with codon Tyrosine 1397, changes this amino acid to a Proline residue, and creates a premature Stop codon at position 16 of the new reading frame, denoted p.Tyr1397ProfsX16. This variant is predicted to cause loss of normal protein function either through protein truncation or nonsense-mediated mRNA decay. The c.4188_4189ins37 variant was not observed in approximately 6500 individuals of European and African American ancestry in the NHLBI Exome Sequencing Project, indicating it is not a common benign variant in these populations. We interpret c.4188_4189ins37 as a pathogenic variant.

NM_001429.4(EP300):c.4188_4189insCCTATGTATATCTCCTATACATATCTCCTATCGAACA (p.Tyr1397fs)

Gene: EP300 (E1A binding protein p300; plus strand). Cytogenetic location: 22q13.2.
Variant type: Insertion.
Coding change: c.4188_4189insCCTATGTATATCTCCTATACATATCTCCTATCGAACA on transcript NM_001429.4 (MANE Select); coding-DNA positions 4188 to 4189, CCTATGTATATCTCCTATACATATCTCCTATCGAACA inserted.
Protein change: p.Tyr1397fs; shifts the reading frame from tyrosine 1397.
Molecular consequence: frameshift variant.
Genome position: GRCh38: chr22:41,169,518-41,169,519. GRCh37 (hg19): chr22:41,565,522-41,565,523.
Other names: c.4110_4111insCCTATGTATATCTCCTATACATATCTCCTATCGAACA, p.Tyr1371fs (NM_001362843.2); short protein forms Y1371fs, Y1397fs.
Identifiers: ClinVar variation 420668 (VCV000420668.1), dbSNP rs1064794624, ClinGen allele CA16621127.
Genomic context (GRCh38, chr22:41,169,518, plus strand): 5'-GACCTGACTTTTTTTTTCCTCTTCATTTCTCTTCATTTTGTATAGGAGAGTATACATATC[T>TCCTATGTATATCTCCTATACATATCTCCTATCGAACA]TACCTCGATAGTGTTCATTTCTTCCGTCCTAAATGCTTGAGGACTGCAGTCTATCATGAA-3'